The following is an entry in ClinVar:

ClinVar aggregate classification (germline): Uncertain significance. Review status: criteria provided, multiple submitters, no conflicts (2 of 4 stars). 4 submissions from 4 submitters: Uncertain significance (4). Last evaluated 2024-05-15.

Conditions:
Donnai-Barrow syndrome. Also called: DBS/FOAR SYNDROME; FACIOOCULOACOUSTICORENAL SYNDROME. Identifiers: Orphanet 2143, MedGen C1857277, MONDO:0009104, OMIM 222448.

Allele frequency attached by ClinVar (database versions not stated): gnomAD exomes 0.00002 and 0.00006; ExAC 0.00004; gnomAD 0.00004; TOPMed 0.00005; ESP Exome Variant Server 0.00008; 1000 Genomes Project 30x 0.00016; 1000 Genomes Project 0.00020.
gnomAD v4.1: 89 of 1,613,774 alleles (0.0055%); highest among the groups gnomAD compares: Non-Finnish European, 0.0072%; no homozygotes.

Submissions (4):

Fulgent Genetics
Classification: Uncertain significance for Donnai-Barrow syndrome. Last evaluated: 2024-05-15. Review status: criteria provided, single submitter. Criteria: ACMG Guidelines, 2015. Collection method: clinical testing. Allele origin: germline.

Labcorp Genetics (formerly Invitae), Labcorp
Classification: Uncertain significance. Last evaluated: 2022-02-09. Review status: criteria provided, single submitter. Criteria: Invitae Variant Classification Sherloc (09022015). Collection method: clinical testing. Allele origin: germline.
Comment: This sequence change replaces phenylalanine, which is neutral and non-polar, with leucine, which is neutral and non-polar, at codon 1192 of the LRP2 protein (p.Phe1192Leu). This variant is present in population databases (rs181448146, gnomAD 0.006%). This variant has not been reported in the literature in individuals affected with LRP2-related conditions. Advanced modeling of protein sequence and biophysical properties (such as structural, functional, and spatial information, amino acid conservation, physicochemical variation, residue mobility, and thermodynamic stability) performed at Invitae indicates that this missense variant is expected to disrupt LRP2 protein function. In summary, the available evidence is currently insufficient to determine the role of this variant in disease. Therefore, it has been classified as a Variant of Uncertain Significance.

Blueprint Genetics
Classification: Uncertain significance. Last evaluated: 2020-08-19. Review status: criteria provided, single submitter. Criteria: ACMG Guidelines, 2015. Collection method: clinical testing. Allele origin: germline.

Breakthrough Genomics
Classification: Uncertain significance. Review status: criteria provided, single submitter. Criteria: ACMG Guidelines, 2015. Collection method: not provided. Allele origin: germline. Inheritance: Autosomal recessive inheritance. Affected: yes.

NM_004525.3(LRP2):c.3576C>G (p.Phe1192Leu)

Gene: LRP2 (LDL receptor related protein 2; minus strand). Cytogenetic location: 2q31.1.
Variant type: single nucleotide variant.
Coding change: c.3576C>G on transcript NM_004525.3 (MANE Select); coding-DNA position 3576, C replaced by G.
Protein change: p.Phe1192Leu; replaces phenylalanine 1192 with leucine.
Molecular consequence: missense variant.
Genome position (GRCh38, 1-based): chr2:169,243,047, G>C on the plus strand (C>G on the coding strand, the complement: LRP2 is on the minus strand). VCF-style: chr2-169243047-G-C. GRCh37 (hg19) VCF-style: chr2-170099557-G-C.
Other names: short protein forms F1192L.
Identifiers: ClinVar variation 1431464 (VCV001431464.7), dbSNP rs181448146, ClinGen allele CA1954997.
Genomic context (GRCh38, chr2:169,243,047, plus strand): 5'-ATCAAAAACACCATCACAACGATTTGTGACGCCAATACATTTATCCCCACTGGCACACTT[G>C]AATTGAGAAGCAGTACAGTTTAATACTAAGAATGAAAGAGAAAAGCATTAGAAATTAGCT-3'
Protein context (NP_004516.2, residues 1182-1202): GCVLNCTASQ[Phe1192Leu]KCASGDKCIG